The following is an entry in ClinVar:

NM_006922.4(SCN3A):c.5859C>T (p.Ser1953=)

Gene: SCN3A (sodium voltage-gated channel alpha subunit 3; minus strand). Cytogenetic location: 2q24.3.
Variant type: single nucleotide variant.
Coding change: c.5859C>T on transcript NM_006922.4 (MANE Select); coding-DNA position 5859, C replaced by T.
Protein change: p.Ser1953=; no amino-acid change (serine 1953 retained).
Molecular consequence: synonymous variant.
Genome position (GRCh38, 1-based): chr2:165,090,294, G>A on the plus strand (C>T on the coding strand, the complement: SCN3A is on the minus strand). VCF-style: chr2-165090294-G-A. GRCh37 (hg19) VCF-style: chr2-165946804-G-A.
Other names: p.Ser1953=; c.5712C>T, p.Ser1904= (NM_001081676.2, NM_001081677.2).
Identifiers: ClinVar variation 412600 (VCV000412600.18), dbSNP rs76096365, ClinGen allele CA1938344.

ClinVar aggregate classification (germline): Benign. Review status: criteria provided, multiple submitters, no conflicts (2 of 4 stars). 5 submissions from 5 submitters: Benign (4). 1 of the submissions does not count toward it. Last evaluated 2026-02-03.

Conditions:
SCN3A-related disorder. Also called: SCN3A-related condition.

Allele frequency attached by ClinVar (database versions not stated): gnomAD exomes 0.00545; ExAC 0.00747; gnomAD 0.02124 and 0.02293; TOPMed 0.02337; 1000 Genomes Project 0.02356; ESP Exome Variant Server 0.02414; 1000 Genomes Project 30x 0.02561.
gnomAD v4.1: 6,150 of 1,613,200 alleles (0.38%); highest among the groups gnomAD compares: African/African-American, 7.3%; 205 homozygotes.

Submissions (5):

Labcorp Genetics (formerly Invitae), Labcorp
Classification: Benign. Last evaluated: 2026-02-03. Review status: criteria provided, single submitter. Criteria: Invitae Variant Classification Sherloc (09022015). Collection method: clinical testing. Allele origin: germline.

Mayo Clinic Laboratories, Mayo Clinic
Classification: Benign. Last evaluated: 2022-07-08. Review status: criteria provided, single submitter. Criteria: ACMG Guidelines, 2015. Collection method: clinical testing. Allele origin: germline. Observed: 6 variant alleles.

GeneDx
Classification: Benign. Last evaluated: 2021-05-06. Review status: criteria provided, single submitter. Criteria: GeneDx Variant Classification Process June 2021. Collection method: clinical testing. Allele origin: germline. Affected: yes.

Breakthrough Genomics
Classification: Benign. Review status: criteria provided, single submitter. Criteria: ACMG Guidelines, 2015. Collection method: not provided. Allele origin: germline. Inheritance: Autosomal dominant inheritance. Affected: yes.

PreventionGenetics, part of Exact Sciences
Classification: Benign for SCN3A-related condition. Last evaluated: 2019-04-10. Review status: no assertion criteria provided. Collection method: clinical testing. Allele origin: germline. Not counted in ClinVar's aggregate classification.
Comment: This variant is classified as benign based on ACMG/AMP sequence variant interpretation guidelines (Richards et al. 2015 PMID: 25741868, with internal and published modifications).